The following is an entry in ClinVar:

ClinVar aggregate classification (germline): Pathogenic (1 of 4 stars; one submission).

Conditions:
Neurofibromatosis, type 1 (NF1). Also called: Neurofibromatosis, type I; Peripheral type neurofibromatosis; VON RECKLINGHAUSEN DISEASE; NEUROFIBROMATOSIS, TYPE I, SOMATIC. Identifiers: Orphanet 636, MedGen C0027831, MONDO:0018975, OMIM 162200. Disease mechanism: loss of function.

Submission:

Juno Genomics, Hangzhou Juno Genomics, Inc
Classification: Pathogenic for Neurofibromatosis, type 1. Review status: criteria provided, single submitter. Criteria: ACMG Guidelines, 2015. Collection method: clinical testing. Allele origin: germline. Affected: yes.
Comment: Absent from controls (or at extremely low frequency if recessive) in Genome Aggregation Database, Exome Sequencing Project, 1000 Genomes Project, or Exome Aggregation Consortium.;Null variant in a gene where loss of function (LOF) is a known mechanism of disease.;Patient's phenotype or family history is highly specific for a disease with a single genetic etiology.

NM_001042492.3(NF1):c.5253del (p.Val1753fs)

Gene: NF1 (neurofibromin 1; plus strand). Cytogenetic location: 17q11.2.
Variant type: Deletion.
Coding change: c.5253del on transcript NM_001042492.3 (MANE Select); coding-DNA position 5253, one base deleted (C; older notation c.5253delC).
Protein change: p.Val1753fs; shifts the reading frame from valine 1753.
Molecular consequence: frameshift variant.
Genome position (GRCh38, 1-based): chr17:31,326,237, C deleted; the last of 2 consecutive C bases (chr17:31,326,236-31,326,237); deleting either gives the same sequence. VCF-style (leftmost placement, unchanged base first): chr17-31326235-AC-A. GRCh37 (hg19) VCF-style: chr17-29653253-AC-A.
Other names: c.5190del, p.Val1732fs (NM_000267.4); short protein forms V1732fs, V1753fs.
Identifiers: ClinVar variation 4531243 (VCV004531243.1).